The following is an entry in ClinVar:

ClinVar aggregate classification (germline): Uncertain significance (1 of 4 stars; one submission).

Submission:

Labcorp Genetics (formerly Invitae), Labcorp
Classification: Uncertain significance. Last evaluated: 2024-09-11. Review status: criteria provided, single submitter. Criteria: Invitae Variant Classification Sherloc (09022015). Collection method: clinical testing. Allele origin: germline.
Comment: This sequence change replaces glutamic acid, which is acidic and polar, with lysine, which is basic and polar, at codon 355 of the GHR protein (p.Glu355Lys). This variant is not present in population databases (gnomAD no frequency). This variant has not been reported in the literature in individuals affected with GHR-related conditions. Invitae Evidence Modeling of protein sequence and biophysical properties (such as structural, functional, and spatial information, amino acid conservation, physicochemical variation, residue mobility, and thermodynamic stability) indicates that this missense variant is not expected to disrupt GHR protein function with a negative predictive value of 80%. In summary, the available evidence is currently insufficient to determine the role of this variant in disease. Therefore, it has been classified as a Variant of Uncertain Significance.

NM_000163.5(GHR):c.1063G>A (p.Glu355Lys)

Gene: GHR (growth hormone receptor; plus strand). Cytogenetic location: 5p12.
Variant type: single nucleotide variant.
Coding change: c.1063G>A on transcript NM_000163.5 (MANE Select); coding-DNA position 1063, G replaced by A.
Protein change: p.Glu355Lys; replaces glutamic acid 355 with lysine.
Molecular consequence: missense variant. On other transcripts: 3 prime UTR variant (1).
Genome position (GRCh38, 1-based): chr5:42,718,570, G>A. VCF-style: chr5-42718570-G-A. GRCh37 (hg19) VCF-style: chr5-42718672-G-A.
Other names: c.1063G>A, p.Glu355Lys (NM_001242406.2, NM_001242405.2, NM_001242400.2 and 4 more transcripts); c.997G>A, p.Glu333Lys (NM_001242460.2); c.*105G>A (NM_001242462.1); c.1084G>A, p.Glu362Lys (NM_001242399.2); short protein forms E333K, E355K, E362K.
Identifiers: ClinVar variation 3729877 (VCV003729877.2).